The following is an entry in ClinVar:

ClinVar aggregate classification (germline): Uncertain significance (1 of 4 stars; one submission).

gnomAD v4.1: 2 of 1,611,854 alleles (0.00012%); highest among the groups gnomAD compares: African/African-American, 0.0013%; no homozygotes.

Submission:

GeneDx
Classification: Uncertain significance. Last evaluated: 2025-05-29. Review status: criteria provided, single submitter. Criteria: GeneDx Variant Classification Process June 2021. Collection method: clinical testing. Allele origin: germline. Affected: yes.
Comment: Not observed at significant frequency in large population cohorts (gnomAD); In silico analysis suggests that this missense variant does not alter protein structure/function; Has not been previously published as pathogenic or benign to our knowledge

NM_003601.4(SMARCA5):c.1285A>T (p.Met429Leu)

Gene: SMARCA5 (SNF2 related chromatin remodeling ATPase 5; plus strand). Cytogenetic location: 4q31.21.
Variant type: single nucleotide variant.
Coding change: c.1285A>T on transcript NM_003601.4 (MANE Select); coding-DNA position 1285, A replaced by T.
Protein change: p.Met429Leu; replaces methionine 429 with leucine.
Molecular consequence: missense variant.
Genome position (GRCh38, 1-based): chr4:143,536,468, A>T. VCF-style: chr4-143536468-A-T. GRCh37 (hg19) VCF-style: chr4-144457621-A-T.
Other names: short protein forms M429L.
Identifiers: ClinVar variation 4532725 (VCV004532725.1).